The following is an entry in ClinVar:

ClinVar aggregate classification (germline): Uncertain significance (1 of 4 stars; one submission).

Conditions:
Wilson disease (WND). Also called: Wilson's disease. Identifiers: Orphanet 905, MedGen C0019202, MONDO:0010200, OMIM 277900. Disease mechanism: loss of function.

Submission:

Labcorp Genetics (formerly Invitae), Labcorp
Classification: Uncertain significance for Wilson disease. Last evaluated: 2021-12-02. Review status: criteria provided, single submitter. Criteria: Invitae Variant Classification Sherloc (09022015). Collection method: clinical testing. Allele origin: germline.
Comment: This sequence change replaces leucine, which is neutral and non-polar, with proline, which is neutral and non-polar, at codon 1327 of the ATP7B protein (p.Leu1327Pro). This variant is not present in population databases (gnomAD no frequency). This missense change has been observed in individual(s) with clinical features of Wilson disease (PMID: 31172689). Advanced modeling of protein sequence and biophysical properties (such as structural, functional, and spatial information, amino acid conservation, physicochemical variation, residue mobility, and thermodynamic stability) performed at Invitae indicates that this missense variant is expected to disrupt ATP7B protein function. In summary, the available evidence is currently insufficient to determine the role of this variant in disease. Therefore, it has been classified as a Variant of Uncertain Significance.

Literature cited by the submitters: PubMed 31172689.

NM_000053.4(ATP7B):c.3980T>C (p.Leu1327Pro)

Gene: ATP7B (ATPase copper transporting beta; minus strand). Cytogenetic location: 13q14.3.
Variant type: single nucleotide variant.
Coding change: c.3980T>C on transcript NM_000053.4 (MANE Select); coding-DNA position 3980, T replaced by C.
Protein change: p.Leu1327Pro; replaces leucine 1327 with proline.
Molecular consequence: missense variant.
Genome position (GRCh38, 1-based): chr13:51,937,317, A>G on the plus strand (T>C on the coding strand, the complement: ATP7B is on the minus strand). VCF-style: chr13-51937317-A-G. GRCh37 (hg19) VCF-style: chr13-52511453-A-G.
Other names: c.3359T>C, p.Leu1120Pro (NM_001005918.3); c.3647T>C, p.Leu1216Pro (NM_001243182.2); c.3746T>C, p.Leu1249Pro (NM_001330578.2); c.3728T>C, p.Leu1243Pro (NM_001330579.2); short protein forms L1249P, L1120P, L1216P, L1243P, L1327P.
Identifiers: ClinVar variation 1421332 (VCV001421332.5), dbSNP rs2138559197, ClinGen allele CA388020957.
Genomic context (GRCh38, chr13:51,937,317, plus strand): 5'-GTGGGTAAGAGCTGCCTACCTGCTGCAATGGGTATCCCAACCAGGTTATAAATCAGTGCC[A>G]GGACCAGGTTGATGCGTATCCTTCGGACAGTCCTCTTGGAAAGGTGAATGCTAGCCACCA-3'
Protein context (NP_000044.2, residues 1317-1337): TVRRIRINLV[Leu1327Pro]ALIYNLVGIP